The following is an entry in ClinVar:

NM_032242.4(PLXNA1):c.2625G>A (p.Pro875=)

Gene: PLXNA1 (plexin A1; plus strand). Cytogenetic location: 3q21.3.
Variant type: single nucleotide variant.
Coding change: c.2625G>A on transcript NM_032242.4 (MANE Select); coding-DNA position 2625, G replaced by A.
Protein change: p.Pro875=; no amino-acid change (proline 875 retained).
Molecular consequence: synonymous variant.
Genome position (GRCh38, 1-based): chr3:127,014,498, G>A. VCF-style: chr3-127014498-G-A. GRCh37 (hg19) VCF-style: chr3-126733341-G-A.
Other names: c.2625G>A (NM_032242.3).
Identifiers: ClinVar variation 4963988 (VCV004963988.2).

ClinVar aggregate classification (germline): Likely benign. Review status: criteria provided, multiple submitters, no conflicts (2 of 4 stars). 2 submissions from 2 submitters: Likely benign (2). Last evaluated 2024-12-02.

Conditions:
PLXNA1-related disorder. Also called: PLXNA1-related condition.

gnomAD v4.1: 23 of 1,605,078 alleles (0.0014%); highest among the groups gnomAD compares: African/African-American, 0.0027%; no homozygotes.

Submissions (2):

PreventionGenetics, part of Exact Sciences
Classification: Likely benign for PLXNA1-related condition. Last evaluated: 2024-12-02. Review status: criteria provided, single submitter. Criteria: ACMG Guidelines, 2015. Collection method: clinical testing. Allele origin: germline.
Comment: This variant is classified as likely benign based on ACMG/AMP sequence variant interpretation guidelines (Richards et al. 2015 PMID: 25741868, with internal and published modifications).

Blueprint Genetics
Classification: Likely benign. Last evaluated: 2022-10-13. Review status: criteria provided, single submitter. Criteria: ACMG Guidelines, 2015. Collection method: clinical testing. Allele origin: germline.